The following is an entry in ClinVar:

ClinVar aggregate classification (germline): Pathogenic. Review status: criteria provided, multiple submitters, no conflicts (2 of 4 stars). 2 submissions from 2 submitters: Pathogenic (2). Last evaluated 2020-02-05.

Conditions:
Polycystic kidney disease, adult type (PKD1). Also called: POLYCYSTIC KIDNEY DISEASE 1 WITH OR WITHOUT POLYCYSTIC LIVER DISEASE; Polycystic Kidney Disease 1, Autosomal Dominant; Polycystic kidney disease 1; Polycystic kidney disease 1, severe; Polycystic Kidney, Autosomal Dominant; POLYCYSTIC KIDNEY DISEASE, ADULT, TYPE I. Identifiers: MedGen C3149841, MONDO:0008263, OMIM 173900.

Submissions (2):

Cavalleri Lab, Royal College of Surgeons in Ireland
Classification: Pathogenic for Polycystic kidney disease, adult type. Last evaluated: 2020-02-05. Review status: criteria provided, single submitter. Criteria: ACMG Guidelines, 2015. Collection method: research. Allele origin: unknown. Inheritance: Autosomal dominant inheritance. Affected: yes.
Comment: PVS1, PM2, PP4, PP5

Juno Genomics, Hangzhou Juno Genomics, Inc
Classification: Pathogenic for Polycystic kidney disease, adult type. Review status: criteria provided, single submitter. Criteria: ACMG Guidelines, 2015. Collection method: clinical testing. Allele origin: germline. Affected: yes.
Comment: Absent from controls (or at extremely low frequency if recessive) in Genome Aggregation Database, Exome Sequencing Project, 1000 Genomes Project, or Exome Aggregation Consortium.;Null variant in a gene where loss of function (LOF) is a known mechanism of disease.;Co-segregation with disease in multiple affected family members in a gene definitively known to cause the disease.

NM_001009944.3(PKD1):c.11752G>T (p.Glu3918Ter)

Gene: PKD1 (polycystin 1, transient receptor potential channel interacting; minus strand). Cytogenetic location: 16p13.3.
Variant type: single nucleotide variant.
Coding change: c.11752G>T on transcript NM_001009944.3 (MANE Select); coding-DNA position 11752, G replaced by T.
Protein change: p.Glu3918Ter; replaces glutamic acid 3918 with a stop codon.
Molecular consequence: nonsense.
Genome position (GRCh38, 1-based): chr16:2,091,135, C>A on the plus strand (G>T on the coding strand, the complement: PKD1 is on the minus strand). VCF-style: chr16-2091135-C-A. GRCh37 (hg19) VCF-style: chr16-2141136-C-A.
Other names: c.11749G>T, p.Glu3917Ter (NM_000296.4); short protein forms E3917*, E3918*.
Identifiers: ClinVar variation 873338 (VCV000873338.2), dbSNP rs1555445229, ClinGen allele CA394330171.